The following is an entry in ClinVar:

NM_004385.5(VCAN):c.1415A>T (p.Asp472Val)

Gene: VCAN (versican; plus strand). Cytogenetic location: 5q14.3.
Variant type: single nucleotide variant.
Coding change: c.1415A>T on transcript NM_004385.5 (MANE Select); coding-DNA position 1415, A replaced by T.
Protein change: p.Asp472Val; replaces aspartic acid 472 with valine.
Molecular consequence: missense variant. On other transcripts: intron variant (2).
Genome position (GRCh38, 1-based): chr5:83,519,721, A>T. VCF-style: chr5-83519721-A-T. GRCh37 (hg19) VCF-style: chr5-82815540-A-T.
Other names: c.1415A>T, p.Asp472Val (NM_001164098.2); c.1042+7325A>T (NM_001164097.2, NM_001126336.3); short protein forms D472V.
Identifiers: ClinVar variation 1057422 (VCV001057422.8), dbSNP rs751690073, ClinGen allele CA3332672.

ClinVar aggregate classification (germline): Uncertain significance (1 of 4 stars; one submission).

Allele frequency attached by ClinVar (database versions not stated): gnomAD exomes below 0.00001; ExAC 0.00001; gnomAD 0.00001; TOPMed 0.00001.
gnomAD v4.1: 1 of 1,614,044 alleles (0.000062%); highest among the groups gnomAD compares: African/African-American, 0.0013%; no homozygotes.

Submission:

Labcorp Genetics (formerly Invitae), Labcorp
Classification: Uncertain significance. Last evaluated: 2022-09-27. Review status: criteria provided, single submitter. Criteria: Invitae Variant Classification Sherloc (09022015). Collection method: clinical testing. Allele origin: germline.
Comment: This sequence change replaces aspartic acid, which is acidic and polar, with valine, which is neutral and non-polar, at codon 472 of the VCAN protein (p.Asp472Val). This variant is present in population databases (rs751690073, gnomAD 0.007%). This variant has not been reported in the literature in individuals affected with VCAN-related conditions. ClinVar contains an entry for this variant (Variation ID: 1057422). Algorithms developed to predict the effect of missense changes on protein structure and function output the following: SIFT: "Tolerated"; PolyPhen-2: "Benign"; Align-GVGD: "Class C0". The valine amino acid residue is found in multiple mammalian species, which suggests that this missense change does not adversely affect protein function. In summary, the available evidence is currently insufficient to determine the role of this variant in disease. Therefore, it has been classified as a Variant of Uncertain Significance.